The following is an entry in ClinVar:

ClinVar aggregate classification (germline): Pathogenic. Review status: criteria provided, multiple submitters, no conflicts (2 of 4 stars). 2 submissions from 2 submitters: Pathogenic (2). Last evaluated 2026-03-27.

Conditions:
Hereditary cancer-predisposing syndrome. Also called: Tumor predisposition; Neoplastic Syndromes, Hereditary; Hereditary neoplastic syndrome; Hereditary Cancer Syndrome. Identifiers: Orphanet 140162, MedGen C0027672, MeSH D009386, MONDO:0015356.
Pheochromocytoma/paraganglioma syndrome 5. Also called: Paragangliomas 5; SDHA-Related Hereditary Paraganglioma-Pheochromocytoma Syndrome. Identifiers: Orphanet 29072, MedGen C3279992, MONDO:0013602, OMIM 614165.

Submissions (2):

Myriad Genetics, Inc.
Classification: Pathogenic for Pheochromocytoma/paraganglioma syndrome 5. Last evaluated: 2026-03-27. Review status: criteria provided, single submitter. Criteria: Myriad Autosomal Dominant, Autosomal Recessive and X-Linked Classification Criteria (2023). Collection method: clinical testing. Allele origin: unknown.
Comment: This variant is considered pathogenic. This variant creates a frameshift predicted to result in premature protein truncation.

Ambry Genetics
Classification: Pathogenic for Hereditary cancer-predisposing syndrome. Last evaluated: 2024-12-17. Review status: criteria provided, single submitter. Criteria: Ambry Variant Classification Scheme 2023. Collection method: clinical testing. Allele origin: germline.
Comment: The c.133_136delGCTAinsCCT pathogenic mutation, located in coding exon 2 of the SDHA gene, results from the deletion of 4 nucleotides and insertion of 3 nucleotides causing a translational frameshift with a predicted alternate stop codon (p.A45Pfs*13). This variant is considered to be rare based on population cohorts in the Genome Aggregation Database (gnomAD). This alteration is expected to result in loss of function by premature protein truncation or nonsense-mediated mRNA decay. As such, this alteration is interpreted as a disease-causing mutation.

NM_004168.4(SDHA):c.133_136delinsCCT (p.Ala45fs)

Gene: SDHA (succinate dehydrogenase complex flavoprotein subunit A; plus strand). Cytogenetic location: 5p15.33.
Variant type: Indel.
Coding change: c.133_136delinsCCT on transcript NM_004168.4 (MANE Select); coding-DNA positions 133 to 136, GCTA replaced by CCT.
Protein change: p.Ala45fs; shifts the reading frame from alanine 45.
Molecular consequence: frameshift variant.
Genome position (GRCh38, 1-based): chr5:223,551-223,554, GCTA replaced by CCT. VCF-style: chr5-223551-GCTA-CCT. GRCh37 (hg19) VCF-style: chr5-223666-GCTA-CCT.
Other names: c.133_136delinsCCT, p.Ala45fs (NM_001294332.2, NM_001330758.2); short protein forms A45fs.
Identifiers: ClinVar variation 3793531 (VCV003793531.2).